The following is an entry in ClinVar:

NM_001080453.3(INTS1):c.4758G>T (p.Leu1586=)

Gene: INTS1 (integrator complex subunit 1; minus strand). Cytogenetic location: 7p22.3.
Variant type: single nucleotide variant.
Coding change: c.4758G>T on transcript NM_001080453.3 (MANE Select); coding-DNA position 4758, G replaced by T.
Protein change: p.Leu1586=; no amino-acid change (leucine 1586 retained).
Molecular consequence: synonymous variant.
Genome position (GRCh38, 1-based): chr7:1,477,809, C>A on the plus strand (G>T on the coding strand, the complement: INTS1 is on the minus strand). VCF-style: chr7-1477809-C-A. GRCh37 (hg19) VCF-style: chr7-1517445-C-A.
Identifiers: ClinVar variation 3388588 (VCV003388588.14).
Genomic context (GRCh38, chr7:1,477,809, plus strand): 5'-TCACCTGCCACCGTCCGCACCCGGCTTCCCCCCAGCCAGGGGCTCCTCCTCCTGCAGCAG[C>A]AGGGAGCTCACCACCACAACGGGCTTACAGGCTGGAAACGGGGAGGCAGCATCCGCAGTG-3'
Protein context (NP_001073922.2, residues 1576-1596): ACKPVVVVSS[Leu1586=]LLQEEEPLAG

ClinVar aggregate classification (germline): Likely benign (1 of 4 stars; one submission).

gnomAD v4.1: 256 of 1,612,578 alleles (0.016%); highest among the groups gnomAD compares: Non-Finnish European, 0.02%; no homozygotes.

Submission:

CeGaT Center for Human Genetics Tuebingen
Classification: Likely benign. Last evaluated: 2024-09-01. Review status: criteria provided, single submitter. Criteria: CeGaT Center For Human Genetics Tuebingen Variant Classification Criteria Version 2. Collection method: clinical testing. Allele origin: germline. Affected: yes. Observed: 1 variant allele.
Comment: INTS1: BP4, BP7